The following is an entry in ClinVar:

ClinVar aggregate classification (germline): Likely benign. Review status: criteria provided, multiple submitters, no conflicts (2 of 4 stars). 3 submissions from 3 submitters: Likely benign (3). Last evaluated 2025-11-05.

Allele frequency attached by ClinVar (database versions not stated): gnomAD exomes 0.00017 and 0.00018; TOPMed 0.00017; gnomAD 0.00024 and 0.00025.
gnomAD v4.1: 268 of 1,481,756 alleles (0.018%); highest among the groups gnomAD compares: Non-Finnish European, 0.022%; no homozygotes.

Submissions (3):

Labcorp Genetics (formerly Invitae), Labcorp
Classification: Likely benign. Last evaluated: 2025-11-05. Review status: criteria provided, single submitter. Criteria: Invitae Variant Classification Sherloc (09022015). Collection method: clinical testing. Allele origin: germline.

Blueprint Genetics
Classification: Likely benign. Last evaluated: 2024-11-18. Review status: criteria provided, single submitter. Criteria: ACMG Guidelines, 2015. Collection method: clinical testing. Allele origin: germline.

CeGaT Center for Human Genetics Tuebingen
Classification: Likely benign. Last evaluated: 2022-04-01. Review status: criteria provided, single submitter. Criteria: CeGaT Center For Human Genetics Tuebingen Variant Classification Criteria Version 2. Collection method: clinical testing. Allele origin: germline. Affected: yes. Observed: 1 variant allele.
Comment: SPEG: BP4, BP7

NM_005876.5(SPEG):c.219C>T (p.Ser73=)

Gene: SPEG (striated muscle enriched protein kinase; plus strand). Cytogenetic location: 2q35.
Variant type: single nucleotide variant.
Coding change: c.219C>T on transcript NM_005876.5 (MANE Select); coding-DNA position 219, C replaced by T.
Protein change: p.Ser73=; no amino-acid change (serine 73 retained).
Molecular consequence: synonymous variant.
Genome position (GRCh38, 1-based): chr2:219,435,196, C>T. VCF-style: chr2-219435196-C-T. GRCh37 (hg19) VCF-style: chr2-220299918-C-T.
Identifiers: ClinVar variation 1562726 (VCV001562726.32), dbSNP rs773940783, ClinGen allele CA2125352.
Genomic context (GRCh38, chr2:219,435,196, plus strand): 5'-GGTGTGCGCGGGCAGCGACGTGCGGCTGCGGGTGGTGGTGAGCGGGACGCCCCAGCCCAG[C>T]CTCCGCTGGTTCCGGGATGGGCAGCTCCTGCCCGCGCCGGCCCCCGAGCCCAGCTGCCTG-3'
Protein context (NP_005867.3, residues 63-83): RVVVSGTPQP[Ser73=]LRWFRDGQLL